The following is an entry in ClinVar:

ClinVar aggregate classification (germline): Pathogenic (1 of 4 stars; one submission).

Conditions:
Marfan syndrome (MFS). Also called: Marfan syndrome, classic; Marfan syndrome type 1; Marfan's syndrome; MARFAN SYNDROME, TYPE I; FBN1-Related Marfan Syndrome. Identifiers: Orphanet 284963, Orphanet 558, MedGen C0024796, MONDO:0007947, OMIM 154700.
Familial thoracic aortic aneurysm and aortic dissection (TAAD). Also called: Thoracic aortic aneurysms and dissections. Identifiers: Orphanet 91387, MedGen C4707243, MONDO:0019625.

Submission:

Labcorp Genetics (formerly Invitae), Labcorp
Classification: Pathogenic for Marfan syndrome; Familial thoracic aortic aneurysm and aortic dissection. Last evaluated: 2024-07-29. Review status: criteria provided, single submitter. Criteria: Invitae Variant Classification Sherloc (09022015). Collection method: clinical testing. Allele origin: germline.
Comment: This sequence change replaces asparagine, which is neutral and polar, with serine, which is neutral and polar, at codon 1907 of the FBN1 protein (p.Asn1907Ser). This variant is not present in population databases (gnomAD no frequency). This missense change has been observed in individuals with Marfan syndrome (PMID: 17657824, 27906200). ClinVar contains an entry for this variant (Variation ID: 406360). Advanced modeling of protein sequence and biophysical properties (such as structural, functional, and spatial information, amino acid conservation, physicochemical variation, residue mobility, and thermodynamic stability) performed at Invitae indicates that this missense variant is expected to disrupt FBN1 protein function with a positive predictive value of 95%. This variant disrupts the p.Asn1907 amino acid residue in FBN1. Other variant(s) that disrupt this residue have been observed in individuals with FBN1-related conditions (PMID: 24793577), which suggests that this may be a clinically significant amino acid residue. For these reasons, this variant has been classified as Pathogenic.

Literature cited by the submitters: PubMed 17657824; PubMed 27906200; PubMed 24793577.

NM_000138.5(FBN1):c.5720A>G (p.Asn1907Ser)

Gene: FBN1 (fibrillin 1; minus strand). Cytogenetic location: 15q21.1.
Variant type: single nucleotide variant.
Coding change: c.5720A>G on transcript NM_000138.5 (MANE Select); coding-DNA position 5720, A replaced by G.
Protein change: p.Asn1907Ser; replaces asparagine 1907 with serine.
Molecular consequence: missense variant.
Genome position (GRCh38, 1-based): chr15:48,446,774, T>C on the plus strand (A>G on the coding strand, the complement: FBN1 is on the minus strand). VCF-style: chr15-48446774-T-C. GRCh37 (hg19) VCF-style: chr15-48738971-T-C.
Other names: short protein forms N1907S.
Identifiers: ClinVar variation 406360 (VCV000406360.11), dbSNP rs1060501087, ClinGen allele CA16614507.
Genomic context (GRCh38, chr15:48,446,774, plus strand): 5'-TCATTGTTGTGAGAAAGGATGAAACCATGATTGCAGCGGCAGTTGAAGGAACCAATTGTG[T>C]TCCGGCAAGTTCCATTCCCACAGGCATCTCTTTCACATTCATTTATGTCTAGTAGGAAGA-3'
Protein context (NP_000129.3, residues 1897-1917): RDACGNGTCR[Asn1907Ser]TIGSFNCRCN